The following is an entry in ClinVar:

ClinVar aggregate classification (germline): Uncertain significance. Review status: criteria provided, multiple submitters, no conflicts (2 of 4 stars). 2 submissions from 2 submitters: Uncertain significance (2). Last evaluated 2024-12-29.

Conditions:
Inborn genetic diseases. Identifiers: MedGen C0950123, MeSH D030342.

Allele frequency attached by ClinVar (database versions not stated): gnomAD exomes 0.00001; gnomAD 0.00007; ESP Exome Variant Server 0.00008; TOPMed 0.00008; ExAC 0.00010; 1000 Genomes Project 30x 0.00016; 1000 Genomes Project 0.00020.
gnomAD v4.1: 18 of 1,593,260 alleles (0.0011%); highest among the groups gnomAD compares: African/African-American, 0.023%; no homozygotes.

Submissions (2):

Ambry Genetics
Classification: Uncertain significance for Inborn genetic diseases. Last evaluated: 2024-12-29. Review status: criteria provided, single submitter. Criteria: Ambry Variant Classification Scheme 2023. Collection method: clinical testing. Allele origin: germline.

Labcorp Genetics (formerly Invitae), Labcorp
Classification: Uncertain significance. Last evaluated: 2024-01-13. Review status: criteria provided, single submitter. Criteria: Invitae Variant Classification Sherloc (09022015). Collection method: clinical testing. Allele origin: germline.
Comment: This sequence change replaces proline, which is neutral and non-polar, with serine, which is neutral and polar, at codon 23 of the SMOC1 protein (p.Pro23Ser). This variant is present in population databases (rs146788316, gnomAD 0.06%). This variant has not been reported in the literature in individuals affected with SMOC1-related conditions. Advanced modeling of protein sequence and biophysical properties (such as structural, functional, and spatial information, amino acid conservation, physicochemical variation, residue mobility, and thermodynamic stability) performed at Invitae indicates that this missense variant is not expected to disrupt SMOC1 protein function with a negative predictive value of 80%. In summary, the available evidence is currently insufficient to determine the role of this variant in disease. Therefore, it has been classified as a Variant of Uncertain Significance.

NM_001034852.3(SMOC1):c.67C>T (p.Pro23Ser)

Gene: SMOC1 (SPARC related modular calcium binding 1; plus strand). Cytogenetic location: 14q24.2.
Variant type: single nucleotide variant.
Coding change: c.67C>T on transcript NM_001034852.3 (MANE Select); coding-DNA position 67, C replaced by T.
Protein change: p.Pro23Ser; replaces proline 23 with serine.
Molecular consequence: missense variant.
Genome position (GRCh38, 1-based): chr14:69,879,745, C>T. VCF-style: chr14-69879745-C-T. GRCh37 (hg19) VCF-style: chr14-70346462-C-T.
Other names: c.67C>T, p.Pro23Ser (NM_001425244.1, NM_001425245.1, NM_022137.6); c.67C>T (NM_001034852.2); short protein forms P23S.
Identifiers: ClinVar variation 2888140 (VCV002888140.4), dbSNP rs146788316, ClinGen allele CA7246336.